The following is an entry in ClinVar:

NM_004104.5(FASN):c.2035G>A (p.Gly679Ser)

Gene: FASN (fatty acid synthase; minus strand). Cytogenetic location: 17q25.3.
Variant type: single nucleotide variant.
Coding change: c.2035G>A on transcript NM_004104.5 (MANE Select); coding-DNA position 2035, G replaced by A.
Protein change: p.Gly679Ser; replaces glycine 679 with serine.
Molecular consequence: missense variant.
Genome position (GRCh38, 1-based): chr17:82,089,315, C>T on the plus strand (G>A on the coding strand, the complement: FASN is on the minus strand). VCF-style: chr17-82089315-C-T. GRCh37 (hg19) VCF-style: chr17-80047191-C-T.
Other names: c.2035G>A (NM_004104.4); short protein forms G679S.
Identifiers: ClinVar variation 1507725 (VCV001507725.30), dbSNP rs747822458, ClinGen allele CA8852934.

ClinVar aggregate classification (germline): Uncertain significance. Review status: criteria provided, multiple submitters, no conflicts (2 of 4 stars). 3 submissions from 3 submitters: Uncertain significance (3). Last evaluated 2024-11-28.

Conditions:
Epileptic encephalopathy. Identifiers: MedGen C0543888, HP:0200134.

Allele frequency attached by ClinVar (database versions not stated): gnomAD 0.00001; TOPMed 0.00001.
gnomAD v4.1: 54 of 1,612,666 alleles (0.0033%); highest among the groups gnomAD compares: South Asian, 0.014%; no homozygotes.

Submissions (3):

Ambry Genetics
Classification: Uncertain significance. Last evaluated: 2024-11-28. Review status: criteria provided, single submitter. Criteria: Ambry Variant Classification Scheme 2023. Collection method: clinical testing. Allele origin: germline.

Labcorp Genetics (formerly Invitae), Labcorp
Classification: Uncertain significance for Epileptic encephalopathy. Last evaluated: 2024-04-12. Review status: criteria provided, single submitter. Criteria: Invitae Variant Classification Sherloc (09022015). Collection method: clinical testing. Allele origin: germline.
Comment: This sequence change replaces glycine, which is neutral and non-polar, with serine, which is neutral and polar, at codon 679 of the FASN protein (p.Gly679Ser). This variant is present in population databases (rs747822458, gnomAD 0.01%). This variant has not been reported in the literature in individuals affected with FASN-related conditions. ClinVar contains an entry for this variant (Variation ID: 1507725). An algorithm developed to predict the effect of missense changes on protein structure and function (PolyPhen-2) suggests that this variant is likely to be disruptive. In summary, the available evidence is currently insufficient to determine the role of this variant in disease. Therefore, it has been classified as a Variant of Uncertain Significance.

CeGaT Center for Human Genetics Tuebingen
Classification: Uncertain significance. Last evaluated: 2023-04-01. Review status: criteria provided, single submitter. Criteria: CeGaT Center For Human Genetics Tuebingen Variant Classification Criteria Version 2. Collection method: clinical testing. Allele origin: germline. Affected: yes. Observed: 1 variant allele.